The following is an entry in ClinVar:

ClinVar aggregate classification (germline): Uncertain significance (1 of 4 stars; one submission).

Submission:

GeneDx
Classification: Uncertain significance. Last evaluated: 2023-11-16. Review status: criteria provided, single submitter. Criteria: GeneDx Variant Classification Process June 2021. Collection method: clinical testing. Allele origin: germline. Affected: yes.
Comment: Not observed at significant frequency in large population cohorts (gnomAD); In silico analysis supports that this variant does not alter splicing; Has not been previously published as pathogenic or benign to our knowledge

NM_001376.5(DYNC1H1):c.9978G>T (p.Leu3326=)

Gene: DYNC1H1 (dynein cytoplasmic 1 heavy chain 1; plus strand). Cytogenetic location: 14q32.31.
Variant type: single nucleotide variant.
Coding change: c.9978G>T on transcript NM_001376.5 (MANE Select); coding-DNA position 9978, G replaced by T.
Protein change: p.Leu3326=; no amino-acid change (leucine 3326 retained).
Molecular consequence: synonymous variant.
Genome position (GRCh38, 1-based): chr14:102,032,366, G>T. VCF-style: chr14-102032366-G-T. GRCh37 (hg19) VCF-style: chr14-102498703-G-T.
Identifiers: ClinVar variation 3364357 (VCV003364357.1).